The following is an entry in ClinVar:

NM_001042492.3(NF1):c.8367G>A (p.Gln2789=)

Gene: NF1 (neurofibromin 1; plus strand). Cytogenetic location: 17q11.2.
Variant type: single nucleotide variant.
Coding change: c.8367G>A on transcript NM_001042492.3 (MANE Select); coding-DNA position 8367, G replaced by A.
Protein change: p.Gln2789=; no amino-acid change (glutamine 2789 retained).
Molecular consequence: synonymous variant.
Genome position (GRCh38, 1-based): chr17:31,360,693, G>A. VCF-style: chr17-31360693-G-A. GRCh37 (hg19) VCF-style: chr17-29687711-G-A.
Other names: c.8304G>A, p.Gln2768= (NM_000267.4).
Identifiers: ClinVar variation 184905 (VCV000184905.53), dbSNP rs786201780, ClinGen allele CA190434.

ClinVar aggregate classification (germline): Benign/Likely benign. Review status: criteria provided, multiple submitters, no conflicts (2 of 4 stars). 5 submissions from 5 submitters: Benign (1); Likely benign (4). Last evaluated 2026-05-22.

Conditions:
Hereditary cancer-predisposing syndrome. Also called: Tumor predisposition; Neoplastic Syndromes, Hereditary; Hereditary Cancer Syndrome; Hereditary neoplastic syndrome. Identifiers: Orphanet 140162, MedGen C0027672, MeSH D009386, MONDO:0015356.
Neurofibromatosis, type 1 (NF1). Also called: Peripheral type neurofibromatosis; Neurofibromatosis, type I; NEUROFIBROMATOSIS, TYPE I, SOMATIC; VON RECKLINGHAUSEN DISEASE. Identifiers: Orphanet 636, MedGen C0027831, MONDO:0018975, OMIM 162200. Disease mechanism: loss of function.

Allele frequency attached by ClinVar (database versions not stated): gnomAD exomes below 0.00001 and 0.00001; TOPMed 0.00001.
gnomAD v4.1: 3 of 1,612,136 alleles (0.00019%); highest among the groups gnomAD compares: Non-Finnish European, 0.00025%; no homozygotes.

Submissions (5):

Myriad Genetics, Inc.
Classification: Benign for Neurofibromatosis, type 1. Last evaluated: 2026-05-22. Review status: criteria provided, single submitter. Criteria: Myriad Autosomal Dominant, Autosomal Recessive and X-Linked Classification Criteria (2023). Collection method: clinical testing. Allele origin: unknown.
Comment: This variant is considered benign. This variant is a silent/synonymous amino acid change and it is not expected to impact splicing.

Labcorp Genetics (formerly Invitae), Labcorp
Classification: Likely benign for Neurofibromatosis, type 1. Last evaluated: 2025-12-22. Review status: criteria provided, single submitter. Criteria: Invitae Variant Classification Sherloc (09022015). Collection method: clinical testing. Allele origin: germline.

CeGaT Center for Human Genetics Tuebingen
Classification: Likely benign. Last evaluated: 2023-12-01. Review status: criteria provided, single submitter. Criteria: CeGaT Center For Human Genetics Tuebingen Variant Classification Criteria Version 2. Collection method: clinical testing. Allele origin: germline. Affected: yes. Observed: 2 variant alleles.
Comment: NF1: BP4

Genome-Nilou Lab
Classification: Likely benign for Neurofibromatosis, type 1. Last evaluated: 2022-03-15. Review status: criteria provided, single submitter. Criteria: ACMG Guidelines, 2015. Collection method: clinical testing. Allele origin: germline. Affected: no.

Ambry Genetics
Classification: Likely benign for Hereditary cancer-predisposing syndrome. Last evaluated: 2015-01-26. Review status: criteria provided, single submitter. Criteria: Ambry Autosomal Dominant and X-Linked criteria (10/2015). Collection method: clinical testing. Allele origin: germline. Observed: 1 variant allele.